The following is an entry in ClinVar:

ClinVar aggregate classification (germline): Uncertain significance. Review status: criteria provided, multiple submitters, no conflicts (2 of 4 stars). 2 submissions from 2 submitters: Uncertain significance (2). Last evaluated 2024-01-05.

Conditions:
Inborn genetic diseases. Identifiers: MedGen C0950123, MeSH D030342.
Dyskeratosis congenita, autosomal dominant 6 (DKCA6). Identifiers: Orphanet 3322, MedGen C4225284, MONDO:0014690, OMIM 616553.

Allele frequency attached by ClinVar (database versions not stated): gnomAD 0.00003; ExAC 0.00001; TOPMed 0.00001.

Submissions (2):

Labcorp Genetics (formerly Invitae), Labcorp
Classification: Uncertain significance for Dyskeratosis congenita, autosomal dominant 6. Last evaluated: 2024-01-05. Review status: criteria provided, single submitter. Criteria: Invitae Variant Classification Sherloc (09022015). Collection method: clinical testing. Allele origin: germline.
Comment: This sequence change replaces arginine, which is basic and polar, with leucine, which is neutral and non-polar, at codon 34 of the ACD protein (p.Arg34Leu). This variant is present in population databases (rs747050159, gnomAD 0.01%). This variant has not been reported in the literature in individuals affected with ACD-related conditions. ClinVar contains an entry for this variant (Variation ID: 2480819). Algorithms developed to predict the effect of missense changes on protein structure and function output the following: SIFT: "Not Available"; PolyPhen-2: "Benign"; Align-GVGD: "Not Available". The leucine amino acid residue is found in multiple mammalian species, which suggests that this missense change does not adversely affect protein function. In summary, the available evidence is currently insufficient to determine the role of this variant in disease. Therefore, it has been classified as a Variant of Uncertain Significance.

Ambry Genetics
Classification: Uncertain significance for Inborn genetic diseases. Last evaluated: 2022-12-03. Review status: criteria provided, single submitter. Criteria: Ambry Variant Classification Scheme 2023. Collection method: clinical testing. Allele origin: germline.
Comment: The p.R34L variant (also known as c.101G>T), located in coding exon 1 of the ACD gene, results from a G to T substitution at nucleotide position 101. The arginine at codon 34 is replaced by leucine, an amino acid with dissimilar properties. This amino acid position is conserved. In addition, this alteration is predicted to be tolerated by in silico analysis. Since supporting evidence is limited at this time, the clinical significance of this alteration remains unclear.

NC_000016.10:g.67660378C>A

Genes: ACD (ACD shelterin complex subunit and telomerase recruitment factor; minus strand), LOC130059224 (ATAC-STARR-seq lymphoblastoid silent region 7617; plus strand). Cytogenetic location: 16q22.1.
Variant type: single nucleotide variant.
Genome position: GRCh38 VCF-style: chr16-67660378-C-A. GRCh37 (hg19) VCF-style: chr16-67694281-C-A.
Other names: short protein forms R34L.
Identifiers: ClinVar variation 2480819 (VCV002480819.5), dbSNP rs747050159, ClinGen allele CA8114910.